The following is an entry in ClinVar:

NM_015021.3(ZNF292):c.406G>A (p.Ala136Thr)

Gene: ZNF292 (zinc finger protein 292; plus strand). Cytogenetic location: 6q14.3.
Variant type: single nucleotide variant.
Coding change: c.406G>A on transcript NM_015021.3 (MANE Select); coding-DNA position 406, G replaced by A.
Protein change: p.Ala136Thr; replaces alanine 136 with threonine.
Molecular consequence: missense variant. On other transcripts: 5 prime UTR variant (1).
Genome position (GRCh38, 1-based): chr6:87,218,599, G>A. VCF-style: chr6-87218599-G-A. GRCh37 (hg19) VCF-style: chr6-87928317-G-A.
Other names: c.-15G>A (NM_001351444.2); short protein forms A136T.
Identifiers: ClinVar variation 2585534 (VCV002585534.1), dbSNP rs2482036069, ClinGen allele CA364922181.
Genomic context (GRCh38, chr6:87,218,599, plus strand): 5'-TAAGCTTGCTTTTAAAAATCTGTTGTAATTCTTTGGATGTTTATTTAATATTTATAGGTA[G>A]CTCATGAAAAGCTGATGGAGAATGGCAGCTGTGAATTGCATTTTTTAGCTACTCTAGCTC-3'
Protein context (NP_055836.1, residues 126-146): WEQFQTLVQV[Ala136Thr]HEKLMENGSC

ClinVar aggregate classification (germline): Uncertain significance (1 of 4 stars; one submission).

Conditions:
Intellectual developmental disorder, autosomal dominant 64. Also called: MENTAL RETARDATION, AUTOSOMAL DOMINANT 64. Identifiers: MedGen C5543067, MONDO:0030934, OMIM 619188.

Submission:

Neuberg Centre For Genomic Medicine, NCGM
Classification: Uncertain significance for Intellectual developmental disorder, autosomal dominant 64. Review status: criteria provided, single submitter. Criteria: ACMG Guidelines, 2015. Collection method: clinical testing. Allele origin: germline. Inheritance: Autosomal dominant inheritance. Affected: yes.
Comment: The missense variant in c.406G>A (p.Ala136Thr) in ZNF292 gene has not been reported previously as a pathogenic variant nor as a benign variant, to our knowledge. The p.Ala136Thr variant is novel (not in any individuals) in gnomAD Exomes and 1000 Genomes. The amino acid Ala at position 136 is changed to a Thr changing protein sequence and it might alter its composition and physico-chemical properties. For these reasons, this variant has been classified as Uncertain Significance.